The following is an entry in ClinVar:

NM_002601.4(PDE6D):c.103A>G (p.Thr35Ala)

Gene: PDE6D (phosphodiesterase 6D; minus strand). Cytogenetic location: 2q37.1.
Variant type: single nucleotide variant.
Coding change: c.103A>G on transcript NM_002601.4 (MANE Select); coding-DNA position 103, A replaced by G.
Protein change: p.Thr35Ala; replaces threonine 35 with alanine.
Molecular consequence: missense variant.
Genome position (GRCh38, 1-based): chr2:231,739,136, T>C on the plus strand (A>G on the coding strand, the complement: PDE6D is on the minus strand). VCF-style: chr2-231739136-T-C. GRCh37 (hg19) VCF-style: chr2-232603846-T-C.
Other names: c.103A>G, p.Thr35Ala (NM_001291018.2); c.103A>G (NM_002601.3); short protein forms T35A.
Identifiers: ClinVar variation 1410677 (VCV001410677.9), dbSNP rs1448692172, ClinGen allele CA350974853.

ClinVar aggregate classification (germline): Uncertain significance. Review status: criteria provided, single submitter (1 of 4 stars). 2 submissions from 2 submitters: Uncertain significance (1). 1 of the submissions does not count toward it. Last evaluated 2022-09-13.

Conditions:
PDE6D-related disorder. Also called: PDE6D-related condition.
Joubert syndrome 22 (JBTS22). Identifiers: Orphanet 2754, MedGen C3810278, MONDO:0014297, OMIM 615665.

Allele frequency attached by ClinVar (database versions not stated): gnomAD 0.00001; gnomAD exomes 0.00001.
gnomAD v4.1: 9 of 1,613,178 alleles (0.00056%); highest among the groups gnomAD compares: South Asian, 0.0066%; no homozygotes.

Submissions (2):

Labcorp Genetics (formerly Invitae), Labcorp
Classification: Uncertain significance for Joubert syndrome 22. Last evaluated: 2022-09-13. Review status: criteria provided, single submitter. Criteria: Invitae Variant Classification Sherloc (09022015). Collection method: clinical testing. Allele origin: germline.
Comment: This variant has not been reported in the literature in individuals affected with PDE6D-related conditions. This sequence change replaces threonine, which is neutral and polar, with alanine, which is neutral and non-polar, at codon 35 of the PDE6D protein (p.Thr35Ala). This variant is present in population databases (no rsID available, gnomAD 0.006%). ClinVar contains an entry for this variant (Variation ID: 1410677). Algorithms developed to predict the effect of missense changes on protein structure and function are either unavailable or do not agree on the potential impact of this missense change (SIFT: "Deleterious"; PolyPhen-2: "Benign"; Align-GVGD: "Class C0"). In summary, the available evidence is currently insufficient to determine the role of this variant in disease. Therefore, it has been classified as a Variant of Uncertain Significance.

PreventionGenetics, part of Exact Sciences
Classification: Uncertain significance for PDE6D-related condition. Last evaluated: 2024-09-03. Review status: no assertion criteria provided. Collection method: clinical testing. Allele origin: germline. Not counted in ClinVar's aggregate classification.
Comment: The PDE6D c.103A>G variant is predicted to result in the amino acid substitution p.Thr35Ala. To our knowledge, this variant has not been reported in the literature. This variant is reported in 0.0065% of alleles in individuals of South Asian descent in gnomAD. At this time, the clinical significance of this variant is uncertain due to the absence of conclusive functional and genetic evidence.